The following is an entry in ClinVar:

ClinVar aggregate classification (germline): Benign. Review status: criteria provided, multiple submitters, no conflicts (2 of 4 stars). 4 submissions from 4 submitters: Benign (4). Last evaluated 2026-01-08.

Conditions:
Congenital absence of salivary gland (ALSG). Also called: Aplasia of lacrimal and salivary glands; Salivary glands, absence of. Identifiers: Orphanet 86815, MedGen C0158667, MONDO:0008397, OMIM 180920.

Allele frequency attached by ClinVar (database versions not stated): gnomAD exomes 0.00212 and 0.00591; ExAC 0.00730; 1000 Genomes Project 0.02236; gnomAD 0.02308 and 0.02485; ESP Exome Variant Server 0.02591; 1000 Genomes Project 30x 0.02592; TOPMed 0.02594.
gnomAD v4.1: 6,699 of 1,613,878 alleles (0.42%); highest among the groups gnomAD compares: African/African-American, 7.8%; 269 homozygotes.

Submissions (4):

Labcorp Genetics (formerly Invitae), Labcorp
Classification: Benign. Last evaluated: 2026-01-08. Review status: criteria provided, single submitter. Criteria: Invitae Variant Classification Sherloc (09022015). Collection method: clinical testing. Allele origin: germline.

GeneDx
Classification: Benign. Last evaluated: 2018-12-17. Review status: criteria provided, single submitter. Criteria: GeneDx Variant Classification Process June 2021. Collection method: clinical testing. Allele origin: germline. Affected: yes.

Illumina Laboratory Services, Illumina
Classification: Benign for Congenital absence of salivary gland. Last evaluated: 2018-01-13. Review status: criteria provided, single submitter. Criteria: ICSL Variant Classification Criteria 13 December 2019. Collection method: clinical testing. Allele origin: germline.
Comment: This variant was observed in the ICSL laboratory as part of a predisposition screen in an ostensibly healthy population. It had not been previously curated by ICSL or reported in the Human Gene Mutation Database (HGMD: prior to June 1st, 2018), and was therefore a candidate for classification through an automated scoring system. Utilizing variant allele frequency, disease prevalence and penetrance estimates, and inheritance mode, an automated score was calculated to assess if this variant is too frequent to cause the disease. Based on the score and internal cut-off values, a variant classified as benign is not then subjected to further curation. The score for this variant resulted in a classification of benign for this disease.

Breakthrough Genomics
Classification: Benign. Review status: criteria provided, single submitter. Criteria: ACMG Guidelines, 2015. Collection method: not provided. Allele origin: germline. Inheritance: Autosomal dominant inheritance. Affected: yes.

NM_004465.2(FGF10):c.591C>T (p.Thr197=)

Gene: FGF10 (fibroblast growth factor 10; minus strand). Cytogenetic location: 5p12.
Variant type: single nucleotide variant.
Coding change: c.591C>T on transcript NM_004465.2 (MANE Select); coding-DNA position 591, C replaced by T.
Protein change: p.Thr197=; no amino-acid change (threonine 197 retained).
Molecular consequence: synonymous variant.
Genome position (GRCh38, 1-based): chr5:44,305,031, G>A on the plus strand (C>T on the coding strand, the complement: FGF10 is on the minus strand). VCF-style: chr5-44305031-G-A. GRCh37 (hg19) VCF-style: chr5-44305133-G-A.
Identifiers: ClinVar variation 353722 (VCV000353722.16), dbSNP rs17234639, ClinGen allele CA3258480.
Genomic context (GRCh38, chr5:44,305,031, plus strand): 5'-TGCATCCACAAACGTTGCCTTCCTCTATGAGTGTACCACCATTGGAAGAAAGTGAGCAGA[G>A]GTGTTTTTCCTTCGTGTTTTCTGTCCTCTCCTTGGAGCTCCTTTTCCATTCAATGCCACA-3'
Protein context (NP_004456.1, residues 187-207): RRGQKTRRKN[Thr197=]SAHFLPMVVH